The following is an entry in ClinVar:

ClinVar aggregate classification (germline): Conflicting classifications of pathogenicity. Review status: criteria provided, conflicting classifications (1 of 4 stars). 5 submissions from 4 submitters: Uncertain significance (4); Likely benign (1). Last evaluated 2023-10-13.

Conditions:
Autosomal recessive ataxia, Beauce type. Also called: Spinocerebellar ataxia, autosomal recessive 8; ATAXIA, RECESSIVE, OF BEAUCE; SYNE1 Deficiency; SYNE1-Related Autosomal Recessive Cerebellar Ataxia. Identifiers: Orphanet 88644, MedGen C1853116, MONDO:0012549, OMIM 610743.
Emery-Dreifuss muscular dystrophy 4, autosomal dominant (EDMD4). Also called: EMERY-DREIFUSS MUSCULAR DYSTROPHY 4 WITH VARIABLE FEATURES. Identifiers: Orphanet 261, MedGen C2751807, MONDO:0013071, OMIM 612998.

Allele frequency attached by ClinVar (database versions not stated): ExAC 0.00002; gnomAD 0.00002 and 0.00003; TOPMed 0.00003; gnomAD exomes 0.00006; ESP Exome Variant Server 0.00015.
gnomAD v4.1: 57 of 1,614,038 alleles (0.0035%); highest among the groups gnomAD compares: Middle Eastern, 0.082%; no homozygotes.

Submissions (5):

Labcorp Genetics (formerly Invitae), Labcorp
Classification: Uncertain significance for Emery-Dreifuss muscular dystrophy 4, autosomal dominant; Autosomal recessive ataxia, Beauce type. Last evaluated: 2023-10-13. Review status: criteria provided, single submitter. Criteria: Invitae Variant Classification Sherloc (09022015). Collection method: clinical testing. Allele origin: germline.
Comment: This sequence change replaces alanine, which is neutral and non-polar, with threonine, which is neutral and polar, at codon 4337 of the SYNE1 protein (p.Ala4337Thr). This variant is present in population databases (rs368709678, gnomAD 0.007%). This variant has not been reported in the literature in individuals affected with SYNE1-related conditions. ClinVar contains an entry for this variant (Variation ID: 289648). An algorithm developed to predict the effect of missense changes on protein structure and function (PolyPhen-2) suggests that this variant¬†is likely to be tolerated. In summary, the available evidence is currently insufficient to determine the role of this variant in disease. Therefore, it has been classified as a Variant of Uncertain Significance.

Revvity Omics, Revvity
Classification: Uncertain significance. Last evaluated: 2020-01-23. Review status: criteria provided, single submitter. Criteria: ACMG Guidelines, 2015. Collection method: clinical testing. Allele origin: germline.

Illumina Laboratory Services, Illumina
Classification: Uncertain significance for Autosomal recessive ataxia, Beauce type. Last evaluated: 2018-01-12. Review status: criteria provided, single submitter. Criteria: ICSL Variant Classification Criteria 13 December 2019. Collection method: clinical testing. Allele origin: germline.

Illumina Laboratory Services, Illumina
Classification: Likely benign for Emery-Dreifuss muscular dystrophy 4, autosomal dominant. Last evaluated: 2018-01-12. Review status: criteria provided, single submitter. Criteria: ICSL Variant Classification Criteria 13 December 2019. Collection method: clinical testing. Allele origin: germline.
Comment: This variant was observed in the ICSL laboratory as part of a predisposition screen in an ostensibly healthy population. It had not been previously curated by ICSL or reported in the Human Gene Mutation Database (HGMD: prior to June 1st, 2018), and was therefore a candidate for classification through an automated scoring system. Utilizing variant allele frequency, disease prevalence and penetrance estimates, and inheritance mode, an automated score was calculated to assess if this variant is too frequent to cause the disease. Based on the score and internal cut-off values, a variant classified as likely benign is not then subjected to further curation. The score for this variant resulted in a classification of likely benign for this disease.

Eurofins Ntd Llc (ga)
Classification: Uncertain significance. Last evaluated: 2016-08-18. Review status: criteria provided, single submitter. Criteria: EGL Classification Definitions 2015. Collection method: clinical testing. Allele origin: germline. Observed: 1 variant allele, 1 heterozygote.

NM_182961.4(SYNE1):c.13222G>A (p.Ala4408Thr)

Gene: SYNE1 (spectrin repeat containing nuclear envelope protein 1; minus strand). Cytogenetic location: 6q25.2.
Variant type: single nucleotide variant.
Coding change: c.13222G>A on transcript NM_182961.4 (MANE Select); coding-DNA position 13222, G replaced by A.
Protein change: p.Ala4408Thr; replaces alanine 4408 with threonine.
Molecular consequence: missense variant.
Genome position (GRCh38, 1-based): chr6:152,331,463, C>T on the plus strand (G>A on the coding strand, the complement: SYNE1 is on the minus strand). VCF-style: chr6-152331463-C-T. GRCh37 (hg19) VCF-style: chr6-152652598-C-T.
Other names: c.13009G>A, p.Ala4337Thr (NM_033071.5); short protein forms A4337T, A4408T.
Identifiers: ClinVar variation 289648 (VCV000289648.15), dbSNP rs368709678, ClinGen allele CA4056222.